The following is an entry in ClinVar:

NM_024589.3(ROGDI):c.433-15C>T

Gene: ROGDI (rogdi atypical leucine zipper; minus strand). Cytogenetic location: 16p13.3.
Variant type: single nucleotide variant.
Coding change: c.433-15C>T on transcript NM_024589.3 (MANE Select); 15 bases into the intron before coding-DNA position 433, C replaced by T.
Molecular consequence: intron variant.
Genome position (GRCh38, 1-based): chr16:4,798,682, G>A on the plus strand (C>T on the coding strand, the complement: ROGDI is on the minus strand). VCF-style: chr16-4798682-G-A. GRCh37 (hg19) VCF-style: chr16-4848683-G-A.
Identifiers: ClinVar variation 261743 (VCV000261743.15), dbSNP rs114103417, ClinGen allele CA7882707.

ClinVar aggregate classification (germline): Benign/Likely benign. Review status: criteria provided, multiple submitters, no conflicts (2 of 4 stars). 5 submissions from 5 submitters: Benign (3); Likely benign (2). Last evaluated 2026-02-03.

Conditions:
Amelocerebrohypohidrotic syndrome (KTZS). Also called: EPILEPSY AND YELLOW TEETH; EPILEPSY, DEMENTIA, AND AMELOGENESIS IMPERFECTA; Kohlschutter's syndrome; KOHLSCHUTTER SYNDROME. Identifiers: Orphanet 1946, MedGen C0406740, MONDO:0009185, OMIM 226750.

Allele frequency attached by ClinVar (database versions not stated): gnomAD exomes 0.00092 and 0.00226; ExAC 0.00439; ESP Exome Variant Server 0.00560; gnomAD 0.00753 and 0.00806; TOPMed 0.00796; 1000 Genomes Project 0.00998; 1000 Genomes Project 30x 0.01015.
gnomAD v4.1: 2,492 of 1,546,160 alleles (0.16%); highest among the groups gnomAD compares: African/African-American, 2.3%; 24 homozygotes.

Submissions (5):

Labcorp Genetics (formerly Invitae), Labcorp
Classification: Benign for Amelocerebrohypohidrotic syndrome. Last evaluated: 2026-02-03. Review status: criteria provided, single submitter. Criteria: Invitae Variant Classification Sherloc (09022015). Collection method: clinical testing. Allele origin: germline.

Blueprint Genetics
Classification: Likely benign. Last evaluated: 2024-11-21. Review status: criteria provided, single submitter. Criteria: ACMG Guidelines, 2015. Collection method: clinical testing. Allele origin: germline.

Fulgent Genetics
Classification: Likely benign for Amelocerebrohypohidrotic syndrome. Last evaluated: 2021-12-01. Review status: criteria provided, single submitter. Criteria: ACMG Guidelines, 2015. Collection method: clinical testing. Allele origin: unknown.

Illumina Laboratory Services, Illumina
Classification: Benign for Kohlschutter syndrome. Last evaluated: 2018-01-13. Review status: criteria provided, single submitter. Criteria: ICSL Variant Classification Criteria 13 December 2019. Collection method: clinical testing. Allele origin: germline.
Comment: This variant was observed in the ICSL laboratory as part of a predisposition screen in an ostensibly healthy population. It had not been previously curated by ICSL or reported in the Human Gene Mutation Database (HGMD: prior to June 1st, 2018), and was therefore a candidate for classification through an automated scoring system. Utilizing variant allele frequency, disease prevalence and penetrance estimates, and inheritance mode, an automated score was calculated to assess if this variant is too frequent to cause the disease. Based on the score and internal cut-off values, a variant classified as benign is not then subjected to further curation. The score for this variant resulted in a classification of benign for this disease.

PreventionGenetics, part of Exact Sciences
Classification: Benign. Review status: criteria provided, single submitter. Criteria: ACMG Guidelines, 2015. Collection method: clinical testing. Allele origin: germline.